The following is an entry in ClinVar:

NM_005245.4(FAT1):c.4619C>T (p.Pro1540Leu)

Gene: FAT1 (FAT atypical cadherin 1; minus strand). Cytogenetic location: 4q35.2.
Variant type: single nucleotide variant.
Coding change: c.4619C>T on transcript NM_005245.4 (MANE Select); coding-DNA position 4619, C replaced by T.
Protein change: p.Pro1540Leu; replaces proline 1540 with leucine.
Molecular consequence: missense variant.
Genome position (GRCh38, 1-based): chr4:186,628,345, G>A on the plus strand (C>T on the coding strand, the complement: FAT1 is on the minus strand). VCF-style: chr4-186628345-G-A. GRCh37 (hg19) VCF-style: chr4-187549499-G-A.
Other names: short protein forms P1540L.
Identifiers: ClinVar variation 2631918 (VCV002631918.1), dbSNP rs374481523, ClinGen allele CA112161508.

ClinVar aggregate classification (germline): Uncertain significance (1 of 4 stars; one submission).

Conditions:
FAT1-related disorder. Also called: FAT1-related condition.

Allele frequency attached by ClinVar (database versions not stated): gnomAD exomes below 0.00001; ESP Exome Variant Server 0.00008.
gnomAD v4.1: 1 of 1,612,862 alleles (0.000062%); highest among the groups gnomAD compares: Non-Finnish European, 0.000085%; no homozygotes.

Submission:

PreventionGenetics, part of Exact Sciences
Classification: Uncertain significance for FAT1-related condition. Last evaluated: 2022-12-22. Review status: criteria provided, single submitter. Criteria: ACMG Guidelines, 2015. Collection method: clinical testing. Allele origin: germline.
Comment: The FAT1 c.4619C>T variant is predicted to result in the amino acid substitution p.Pro1540Leu. To our knowledge, this variant has not been reported in the literature or in a large population database, indicating this variant is rare. At this time, the clinical significance of this variant is uncertain due to the absence of conclusive functional and genetic evidence.